The following is an entry in ClinVar:

NM_144631.6(ZNF513):c.114G>C (p.Leu38Phe)

Gene: ZNF513 (zinc finger protein 513; minus strand). Cytogenetic location: 2p23.3.
Variant type: single nucleotide variant.
Coding change: c.114G>C on transcript NM_144631.6 (MANE Select); coding-DNA position 114, G replaced by C.
Protein change: p.Leu38Phe; replaces leucine 38 with phenylalanine.
Molecular consequence: missense variant. On other transcripts: 5 prime UTR variant (1).
Genome position (GRCh38, 1-based): chr2:27,380,190, C>G on the plus strand (G>C on the coding strand, the complement: ZNF513 is on the minus strand). VCF-style: chr2-27380190-C-G. GRCh37 (hg19) VCF-style: chr2-27603057-C-G.
Other names: c.-73G>C (NM_001201459.2); short protein forms L38F.
Identifiers: ClinVar variation 1054340 (VCV001054340.10), dbSNP rs377077298, ClinGen allele CA1578155.

ClinVar aggregate classification (germline): Uncertain significance. Review status: criteria provided, multiple submitters, no conflicts (2 of 4 stars). 2 submissions from 2 submitters: Uncertain significance (2). Last evaluated 2024-05-20.

Allele frequency attached by ClinVar (database versions not stated): gnomAD 0.00001; gnomAD exomes 0.00001 and 0.00002; ExAC 0.00002; ESP Exome Variant Server 0.00008.

Submissions (2):

Labcorp Genetics (formerly Invitae), Labcorp
Classification: Uncertain significance. Last evaluated: 2024-05-20. Review status: criteria provided, single submitter. Criteria: Invitae Variant Classification Sherloc (09022015). Collection method: clinical testing. Allele origin: germline.
Comment: This sequence change replaces leucine, which is neutral and non-polar, with phenylalanine, which is neutral and non-polar, at codon 38 of the ZNF513 protein (p.Leu38Phe). This variant is present in population databases (rs377077298, gnomAD 0.003%). This variant has not been reported in the literature in individuals affected with ZNF513-related conditions. ClinVar contains an entry for this variant (Variation ID: 1054340). An algorithm developed to predict the effect of missense changes on protein structure and function (PolyPhen-2) suggests that this variant is likely to be disruptive. In summary, the available evidence is currently insufficient to determine the role of this variant in disease. Therefore, it has been classified as a Variant of Uncertain Significance.

Blueprint Genetics
Classification: Uncertain significance. Last evaluated: 2022-11-16. Review status: criteria provided, single submitter. Criteria: ACMG Guidelines, 2015. Collection method: clinical testing. Allele origin: germline.